The following is an entry in ClinVar:

ClinVar aggregate classification (germline): Uncertain significance. Review status: criteria provided, multiple submitters, no conflicts (2 of 4 stars). 2 submissions from 2 submitters: Uncertain significance (2). Last evaluated 2024-03-06.

Conditions:
Cardiomyopathy (CMYO). Also called: Cardiomyopathies. Identifiers: Orphanet 167848, MedGen C0878544, MONDO:0004994, HP:0001638. Inheritance: Various modes of inheritance.
Catecholaminergic polymorphic ventricular tachycardia 1. Also called: VENTRICULAR TACHYCARDIA, STRESS-INDUCED POLYMORPHIC 1; VENTRICULAR TACHYCARDIA, CATECHOLAMINERGIC POLYMORPHIC, 1, WITH OR WITHOUT ATRIAL DYSFUNCTION AND/OR DILATED CARDIOMYOPATHY; RYR2-Related Catecholaminergic Polymorphic Ventricular Tachycardia. Identifiers: Orphanet 3286, MedGen C1631597, MONDO:0011484, OMIM 604772.

Submissions (2):

Color Diagnostics, LLC DBA Color Health
Classification: Uncertain significance for Cardiomyopathy. Last evaluated: 2024-03-06. Review status: criteria provided, single submitter. Criteria: ACMG Guidelines, 2015. Collection method: clinical testing. Allele origin: germline.
Comment: This missense variant replaces leucine with valine at codon 1469 of the RYR2 protein. Computational prediction suggests that this variant may not impact protein structure and function (internally defined REVEL score threshold <= 0.5, PMID: 27666373). To our knowledge, functional studies have not been reported for this variant. This variant has not been reported in individuals affected with cardiovascular disorders in the literature. This variant has not been identified in the general population by the Genome Aggregation Database (gnomAD). The available evidence is insufficient to determine the role of this variant in disease conclusively. Therefore, this variant is classified as a Variant of Uncertain Significance.

Labcorp Genetics (formerly Invitae), Labcorp
Classification: Uncertain significance for Catecholaminergic polymorphic ventricular tachycardia 1. Last evaluated: 2023-07-26. Review status: criteria provided, single submitter. Criteria: Invitae Variant Classification Sherloc (09022015). Collection method: clinical testing. Allele origin: germline.
Comment: In summary, the available evidence is currently insufficient to determine the role of this variant in disease. Therefore, it has been classified as a Variant of Uncertain Significance. Advanced modeling of protein sequence and biophysical properties (such as structural, functional, and spatial information, amino acid conservation, physicochemical variation, residue mobility, and thermodynamic stability) performed at Invitae indicates that this missense variant is not expected to disrupt RYR2 protein function. ClinVar contains an entry for this variant (Variation ID: 1170968). This variant has not been reported in the literature in individuals affected with RYR2-related conditions. This variant is not present in population databases (gnomAD no frequency). This sequence change replaces leucine, which is neutral and non-polar, with valine, which is neutral and non-polar, at codon 1469 of the RYR2 protein (p.Leu1469Val).

NM_001035.3(RYR2):c.4405C>G (p.Leu1469Val)

Gene: RYR2 (ryanodine receptor 2; plus strand). Cytogenetic location: 1q43.
Variant type: single nucleotide variant.
Coding change: c.4405C>G on transcript NM_001035.3 (MANE Select); coding-DNA position 4405, C replaced by G.
Protein change: p.Leu1469Val; replaces leucine 1469 with valine.
Molecular consequence: missense variant.
Genome position (GRCh38, 1-based): chr1:237,593,605, C>G. VCF-style: chr1-237593605-C-G. GRCh37 (hg19) VCF-style: chr1-237756905-C-G.
Other names: short protein forms L1469V.
Identifiers: ClinVar variation 1170968 (VCV001170968.6), dbSNP rs2148458888, ClinGen allele CA345399953.